The following is an entry in ClinVar:

ClinVar aggregate classification (germline): Pathogenic/Likely pathogenic. Review status: criteria provided, multiple submitters, no conflicts (2 of 4 stars). 2 submissions from 2 submitters: Pathogenic (1); Likely pathogenic (1). Last evaluated 2025-10-01.

Conditions:
VPS13A-related neurodegenerative disease. Also called: LEVINE-CRITCHLEY SYNDROME; Choreoacanthocytosis; ACANTHOCYTOSIS WITH NEUROLOGIC DISORDER; Chorea-acanthocytosis; Choreaacanthocytosis; VPS13A Disease. Identifiers: Orphanet 2388, MedGen C0393576, MONDO:0008695, OMIM 200150.

Submissions (2):

Natera, Inc.
Classification: Likely pathogenic for Choreaacanthocytosis. Last evaluated: 2025-10-01. Review status: criteria provided, single submitter. Criteria: Natera Variant Classification Schema (03/2026). Collection method: clinical testing. Allele origin: germline.
Comment: The c.4692_4693delGT variant in VPS13A is a frameshift variant predicted to shift the reading frame beginning at codon 1565 and leads to a stop codon 3 codons downstream. This variant is expected to result in nonsense mediated decay, truncation, or a dysfunctional protein product. This variant is rare in the general population with a frequency below the threshold expected for the associated phenotype(s). Given the available evidence, this variant is classified as Likely Pathogenic.

Labcorp Genetics (formerly Invitae), Labcorp
Classification: Pathogenic. Last evaluated: 2022-04-09. Review status: criteria provided, single submitter. Criteria: Invitae Variant Classification Sherloc (09022015). Collection method: clinical testing. Allele origin: germline.
Comment: For these reasons, this variant has been classified as Pathogenic. Algorithms developed to predict the effect of sequence changes on RNA splicing suggest that this variant may disrupt the consensus splice site. This variant has not been reported in the literature in individuals affected with VPS13A-related conditions. This variant is not present in population databases (gnomAD no frequency). This sequence change creates a premature translational stop signal (p.Phe1565Cysfs*3) in the VPS13A gene. It is expected to result in an absent or disrupted protein product. Loss-of-function variants in VPS13A are known to be pathogenic (PMID: 12404112, 21598378).

Literature cited by the submitters: PubMed 12404112 (cited by Labcorp Genetics (formerly Invitae), Labcorp); PubMed 21598378 (cited by Labcorp Genetics (formerly Invitae), Labcorp).

NM_033305.3(VPS13A):c.4692_4693del (p.Phe1565fs)

Gene: VPS13A (vacuolar protein sorting 13 homolog A; plus strand). Cytogenetic location: 9q21.2.
Variant type: Microsatellite.
Coding change: c.4692_4693del on transcript NM_033305.3 (MANE Select); coding-DNA positions 4692 to 4693, 2 bases deleted (GT; older notation c.4692_4693delGT).
Protein change: p.Phe1565fs; shifts the reading frame from phenylalanine 1565.
Molecular consequence: frameshift variant.
Genome position (GRCh38, 1-based): chr9:77,316,235-77,316,236, GT deleted; deleting any 2 consecutive bases within chr9:77,316,232-77,316,236 gives the same sequence; the c. name uses the placement nearest the transcript's 3' end. VCF-style (leftmost placement, unchanged base first): chr9-77316231-TTG-T. GRCh37 (hg19) VCF-style: chr9-79931147-TTG-T.
Other names: c.4575_4576del, p.Phe1526fs (NM_001018037.2); c.4692_4693del, p.Phe1565fs (NM_001018038.3, NM_015186.4); c.4692_4693delGT (NM_033305.2); short protein forms F1526fs, F1565fs.
Identifiers: ClinVar variation 1074484 (VCV001074484.8), dbSNP rs1296924903, ClinGen allele CA867051050.
Genomic context (GRCh38, chr9:77,316,231, plus strand): 5'-TAGTACCTACACAGGAATCAGTGAAGTGGGAAATTAATGTTATTATTAAAAATCCTGAAA[TTG>T]TGTTTGTAGCTGACATGACAAAAAATGATGCTCCTGCTTTAGTCATTACAACACAATGTG-3'